The following is an entry in ClinVar:

NM_182641.4(BPTF):c.8055T>A (p.Pro2685=)

Gene: BPTF (bromodomain PHD finger transcription factor; plus strand). Cytogenetic location: 17q24.2.
Variant type: single nucleotide variant.
Coding change: c.8055T>A on transcript NM_182641.4 (MANE Select); coding-DNA position 8055, T replaced by A.
Protein change: p.Pro2685=; no amino-acid change (proline 2685 retained).
Molecular consequence: synonymous variant.
Genome position (GRCh38, 1-based): chr17:67,959,669, T>A. VCF-style: chr17-67959669-T-A. GRCh37 (hg19) VCF-style: chr17-65955785-T-A.
Other names: c.8004T>A, p.Pro2668= (NM_004459.7).
Identifiers: ClinVar variation 3051404 (VCV003051404.2), dbSNP rs1555682939, ClinGen allele CA501696781.

ClinVar aggregate classification (germline): Likely benign (0 of 4 stars; one submission).

Conditions:
BPTF-related disorder. Also called: BPTF-related condition.

Submission:

PreventionGenetics, part of Exact Sciences
Classification: Likely benign for BPTF-related condition. Last evaluated: 2021-06-18. Review status: no assertion criteria provided. Collection method: clinical testing. Allele origin: germline.
Comment: This variant is classified as likely benign based on ACMG/AMP sequence variant interpretation guidelines (Richards et al. 2015 PMID: 25741868, with internal and published modifications).